The following is an entry in ClinVar:

NM_001360016.2(G6PD):c.813G>A (p.Val271=)

Gene: G6PD (glucose-6-phosphate dehydrogenase; minus strand). Cytogenetic location: Xq28.
Variant type: single nucleotide variant.
Coding change: c.813G>A on transcript NM_001360016.2 (MANE Select); coding-DNA position 813, G replaced by A.
Protein change: p.Val271=; no amino-acid change (valine 271 retained).
Molecular consequence: synonymous variant.
Genome position (GRCh38, 1-based): chrX:154,533,627, C>T on the plus strand (G>A on the coding strand, the complement: G6PD is on the minus strand). VCF-style: chrX-154533627-C-T. GRCh37 (hg19) VCF-style: chrX-153761842-C-T.
Other names: c.903G>A, p.Val301= (NM_000402.4); c.813G>A, p.Val271= (NM_001042351.3).
Identifiers: ClinVar variation 850954 (VCV000850954.25), dbSNP rs782732134, ClinGen allele CA10566141.

ClinVar aggregate classification (germline): Likely benign. Review status: criteria provided, multiple submitters, no conflicts (2 of 4 stars). 2 submissions from 2 submitters: Likely benign (2). Last evaluated 2024-10-08.

Conditions:
Anemia, nonspherocytic hemolytic, due to G6PD deficiency (CNSHA1). Also called: Hemolytic anemia due to G6PD deficiency; ANEMIA, CONGENITAL, NONSPHEROCYTIC HEMOLYTIC, 1; Class I glucose-6-phosphate dehydrogenase deficiency; Favism, susceptibility to. Identifiers: Orphanet 466026, MedGen C2720289, MONDO:0010480, OMIM 300908.

Allele frequency attached by ClinVar (database versions not stated): gnomAD exomes 0.00002 and 0.00005; gnomAD 0.00004; TOPMed 0.00006; ExAC 0.00007.
gnomAD v4.1: 27 of 1,210,810 alleles (0.0022%); highest among the groups gnomAD compares: South Asian, 0.032%; no homozygotes.

Submissions (2):

Labcorp Genetics (formerly Invitae), Labcorp
Classification: Likely benign for Anemia, nonspherocytic hemolytic, due to G6PD deficiency. Last evaluated: 2024-10-08. Review status: criteria provided, single submitter. Criteria: Invitae Variant Classification Sherloc (09022015). Collection method: clinical testing. Allele origin: germline.

CeGaT Center for Human Genetics Tuebingen
Classification: Likely benign. Last evaluated: 2024-07-01. Review status: criteria provided, single submitter. Criteria: CeGaT Center For Human Genetics Tuebingen Variant Classification Criteria Version 2. Collection method: clinical testing. Allele origin: germline. Affected: yes. Observed: 1 variant allele.
Comment: G6PD: BP4